The following is an entry in ClinVar:

ClinVar aggregate classification (germline): Uncertain significance. Review status: criteria provided, multiple submitters, no conflicts (2 of 4 stars). 2 submissions from 2 submitters: Uncertain significance (2). Last evaluated 2022-01-21.

Allele frequency attached by ClinVar (database versions not stated): gnomAD exomes below 0.00001 and 0.00001; TOPMed below 0.00001; ExAC 0.00001; gnomAD 0.00001; ESP Exome Variant Server 0.00008.
gnomAD v4.1: 2 of 1,614,086 alleles (0.00012%); highest among the groups gnomAD compares: Non-Finnish European, 0.00017%; no homozygotes.

Submissions (2):

Blueprint Genetics
Classification: Uncertain significance. Last evaluated: 2022-01-21. Review status: criteria provided, single submitter. Criteria: ACMG Guidelines, 2015. Collection method: clinical testing. Allele origin: germline.

Labcorp Genetics (formerly Invitae), Labcorp
Classification: Uncertain significance. Last evaluated: 2020-10-19. Review status: criteria provided, single submitter. Criteria: Invitae Variant Classification Sherloc (09022015). Collection method: clinical testing. Allele origin: germline.
Comment: In summary, the available evidence is currently insufficient to determine the role of this variant in disease. Therefore, it has been classified as a Variant of Uncertain Significance. Advanced modeling of protein sequence and biophysical properties (such as structural, functional, and spatial information, amino acid conservation, physicochemical variation, residue mobility, and thermodynamic stability) performed at Invitae indicates that this missense variant is not expected to disrupt CDHR1 protein function. This variant has not been reported in the literature in individuals with CDHR1-related conditions. This variant is present in population databases (rs371582488, ExAC 0.002%). This sequence change replaces proline with leucine at codon 773 of the CDHR1 protein (p.Pro773Leu). The proline residue is moderately conserved and there is a moderate physicochemical difference between proline and leucine.

NM_033100.4(CDHR1):c.2318C>T (p.Pro773Leu)

Gene: CDHR1 (cadherin related family member 1; plus strand). Cytogenetic location: 10q23.1.
Variant type: single nucleotide variant.
Coding change: c.2318C>T on transcript NM_033100.4 (MANE Select); coding-DNA position 2318, C replaced by T.
Protein change: p.Pro773Leu; replaces proline 773 with leucine.
Molecular consequence: missense variant. On other transcripts: intron variant (1).
Genome position (GRCh38, 1-based): chr10:84,214,359, C>T. VCF-style: chr10-84214359-C-T. GRCh37 (hg19) VCF-style: chr10-85974115-C-T.
Other names: c.2040+1011C>T (NM_001171971.3); short protein forms P773L.
Identifiers: ClinVar variation 1062079 (VCV001062079.8), dbSNP rs371582488, ClinGen allele CA5580199.
Genomic context (GRCh38, chr10:84,214,359, plus strand): 5'-TTGAGTGGCTCAAGTCCAAGAGCACCAAAGCCGCTACCAAGTTCATGCTCAAAGAGAAAC[C>T]TCCCAATGAGAACTGTAACAACAACAGCCCAGAAAGCTCTCTGCTCCCGAGAGCTCCGGC-3'
Protein context (NP_149091.1, residues 763-783): AATKFMLKEK[Pro773Leu]PNENCNNNSP